The following is an entry in ClinVar:

NM_000038.6(APC):c.4418del (p.Asn1473fs)

Gene: APC (APC regulator of Wnt signaling pathway; plus strand). Cytogenetic location: 5q22.2.
Variant type: Deletion.
Coding change: c.4418del on transcript NM_000038.6 (MANE Select); coding-DNA position 4418, one base deleted (A; older notation c.4418delA).
Protein change: p.Asn1473fs; shifts the reading frame from asparagine 1473.
Molecular consequence: frameshift variant. On other transcripts: non-coding transcript variant (2).
Genome position (GRCh38, 1-based): chr5:112,840,012, A deleted; the last of 3 consecutive A bases (chr5:112,840,010-112,840,012); deleting any one gives the same sequence. VCF-style (leftmost placement, unchanged base first): chr5-112840009-TA-T. GRCh37 (hg19) VCF-style: chr5-112175706-TA-T.
Other names: c.4418del, p.Asn1473fs (NM_001127510.3, NM_001354895.2, NM_001407450.1); c.4364del, p.Asn1455fs (NM_001127511.3); c.4472del, p.Asn1491fs (NM_001354896.2, NM_001407447.1, NM_001407448.1 and 1 more transcripts); c.4448del, p.Asn1483fs (NM_001354897.2); c.4343del, p.Asn1448fs (NM_001354898.2); c.4334del, p.Asn1445fs (NM_001354899.2); c.4295del, p.Asn1432fs (NM_001354900.2); c.4241del, p.Asn1414fs (NM_001354901.2, NM_001407453.1); and 11 more; short protein forms N1089fs, N1190fs, N1313fs, N1344fs, N1347fs, N1372fs, N1382fs, N1390fs.
Identifiers: ClinVar variation 2584109 (VCV002584109.1), dbSNP rs2533573514, ClinGen allele CA446206458.

ClinVar aggregate classification (germline): Pathogenic (1 of 4 stars; one submission).

Conditions:
Familial adenomatous polyposis 1 (FAP1). Also called: FAMILIAL ADENOMATOUS POLYPOSIS 1, ATTENUATED; POLYPOSIS, ADENOMATOUS INTESTINAL. Identifiers: MedGen C2713442, MONDO:0021056, OMIM 175100. Disease mechanism: loss of function.

Submission:

Myriad Genetics, Inc.
Classification: Pathogenic for Familial adenomatous polyposis 1. Last evaluated: 2023-05-11. Review status: criteria provided, single submitter. Criteria: Myriad Autosomal Dominant, Autosomal Recessive and X-Linked Classification Criteria (2023). Collection method: clinical testing. Allele origin: unknown.
Comment: This variant is considered pathogenic. This variant creates a frameshift predicted to result in premature protein truncation.